The following is an entry in ClinVar:

ClinVar aggregate classification (germline): Uncertain significance (1 of 4 stars; one submission).

gnomAD v4.1: 1 of 1,613,308 alleles (0.000062%); highest among the groups gnomAD compares: Non-Finnish European, 0.000085%; no homozygotes.

Submission:

GeneDx
Classification: Uncertain significance. Last evaluated: 2022-10-07. Review status: criteria provided, single submitter. Criteria: GeneDx Variant Classification Process June 2021. Collection method: clinical testing. Allele origin: germline. Affected: yes.
Comment: Not observed at significant frequency in large population cohorts (gnomAD); In silico analysis supports that this missense variant does not alter protein structure/function; Has not been previously published as pathogenic or benign to our knowledge

NM_032119.4(ADGRV1):c.10664C>T (p.Thr3555Ile)

Gene: ADGRV1 (adhesion G protein-coupled receptor V1; plus strand). Cytogenetic location: 5q14.3.
Variant type: single nucleotide variant.
Coding change: c.10664C>T on transcript NM_032119.4 (MANE Select); coding-DNA position 10664, C replaced by T.
Protein change: p.Thr3555Ile; replaces threonine 3555 with isoleucine.
Molecular consequence: missense variant. On other transcripts: non-coding transcript variant (1).
Genome position (GRCh38, 1-based): chr5:90,745,160, C>T. VCF-style: chr5-90745160-C-T. GRCh37 (hg19) VCF-style: chr5-90040977-C-T.
Other names: short protein forms T3555I.
Identifiers: ClinVar variation 2497856 (VCV002497856.1), dbSNP rs2531539073, ClinGen allele CA360408100.